The following is an entry in ClinVar:

ClinVar aggregate classification (germline): Likely pathogenic (1 of 4 stars; one submission).

Submission:

GeneDx
Classification: Likely pathogenic. Last evaluated: 2024-06-18. Review status: criteria provided, single submitter. Criteria: GeneDx Variant Classification Process June 2021. Collection method: clinical testing. Allele origin: germline. Affected: yes.
Comment: Frameshift variant predicted to result in protein truncation or nonsense mediated decay in a gene for which loss of function is a known mechanism of disease; Not observed at significant frequency in large population cohorts (gnomAD); Has not been previously published as pathogenic or benign to our knowledge

NM_001002295.2(GATA3):c.364_391del (p.Ile122fs)

Gene: GATA3 (GATA binding protein 3; plus strand). Cytogenetic location: 10p14.
Variant type: Deletion.
Coding change: c.364_391del on transcript NM_001002295.2 (MANE Select); coding-DNA positions 364 to 391, 28 bases deleted (ATCCACCACGGCTCCCCGGGGCCCCTCT).
Protein change: p.Ile122fs; shifts the reading frame from isoleucine 122.
Molecular consequence: frameshift variant.
Genome position (GRCh38, 1-based): chr10:8,058,427-8,058,454, ATCCACCACGGCTCCCCGGGGCCCCTCT deleted. VCF-style (leftmost placement, unchanged base first): chr10-8058426-CATCCACCACGGCTCCCCGGGGCCCCTCT-C. GRCh37 (hg19) VCF-style: chr10-8100389-CATCCACCACGGCTCCCCGGGGCCCCTCT-C.
Other names: c.364_391del, p.Ile122fs (NM_002051.3); short protein forms I122fs.
Identifiers: ClinVar variation 3391577 (VCV003391577.1).
Genomic context (GRCh38, chr10:8,058,426, plus strand): 5'-AGCCCTGGGCAGCCACCACACCGCCTCCCCCTGGAATCTCAGCCCCTTCTCCAAGACGTC[CATCCACCACGGCTCCCCGGGGCCCCTCT>C]CCGTCTACCCCCCGGCCTCGTCCTCCTCCTTGTCGGGGGGCCACGCCAGCCCGCACCTCT-3'